The following is an entry in ClinVar:

NM_001164508.2(NEB):c.11038C>T (p.Gln3680Ter)

Gene: NEB (nebulin; minus strand). Cytogenetic location: 2q23.3.
Variant type: single nucleotide variant.
Coding change: c.11038C>T on transcript NM_001164508.2 (MANE Select); coding-DNA position 11038, C replaced by T.
Protein change: p.Gln3680Ter; replaces glutamine 3680 with a stop codon.
Molecular consequence: nonsense.
Genome position (GRCh38, 1-based): chr2:151,618,313, G>A on the plus strand (C>T on the coding strand, the complement: NEB is on the minus strand). VCF-style: chr2-151618313-G-A. GRCh37 (hg19) VCF-style: chr2-152474827-G-A.
Other names: c.11038C>T, p.Gln3680Ter (NM_001164507.2, NM_001271208.2); c.10309C>T, p.Gln3437Ter (NM_004543.5); short protein forms Q3437*, Q3680*.
Identifiers: ClinVar variation 2682483 (VCV002682483.1), dbSNP rs2552232032, ClinGen allele CA348785811.

ClinVar aggregate classification (germline): Pathogenic (1 of 4 stars; one submission).

Conditions:
Nemaline myopathy. Also called: Myopathies, Nemaline. Identifiers: Orphanet 607, MedGen C0206157, MONDO:0018958.

Submission:

Women's Health and Genetics/Laboratory Corporation of America, LabCorp
Classification: Pathogenic for Nemaline myopathy. Last evaluated: 2023-11-13. Review status: criteria provided, single submitter. Criteria: LabCorp Variant Classification Summary - May 2015. Collection method: clinical testing. Allele origin: germline.
Comment: Variant summary: NEB c.11038C>T (p.Gln3680X) results in a premature termination codon, predicted to cause absence of the protein due to nonsense mediated decay, which is a commonly known mechanism for disease. The variant was absent in 248840 control chromosomes (gnomAD). To our knowledge, no occurrence of c.11038C>T in individuals affected with Nemaline Myopathy 2 and no experimental evidence demonstrating its impact on protein function have been reported. No submitters have cited clinical-significance assessments for this variant to ClinVar after 2014. Based on the evidence outlined above, the variant was classified as pathogenic.